The following is an entry in ClinVar:

ClinVar aggregate classification (germline): Uncertain significance (1 of 4 stars; one submission).

Conditions:
Acute myeloid leukemia (AML). Also called: Acute myeloid leukemia, adult; AML adult; Acute non-lymphocytic leukemia; Acute granulocytic leukemia; Leukemia, acute myelogenous, somatic; Leukemia, acute myeloid, somatic. Identifiers: Orphanet 519, MedGen C0023467, MeSH D015470, MONDO:0018874, OMIM 601626, HP:0004808. Disease mechanism: Constitutively activated FLT3.

Allele frequency attached by ClinVar (database versions not stated): TOPMed below 0.00001; gnomAD 0.00001.

Submission:

Labcorp Genetics (formerly Invitae), Labcorp
Classification: Uncertain significance for Acute myeloid leukemia. Last evaluated: 2025-06-08. Review status: criteria provided, single submitter. Criteria: Invitae Variant Classification Sherloc (09022015). Collection method: clinical testing. Allele origin: germline.
Comment: This sequence change replaces proline, which is neutral and non-polar, with leucine, which is neutral and non-polar, at codon 23 of the CEBPA protein (p.Pro23Leu). The frequency data for this variant in the population databases is considered unreliable, as metrics indicate poor data quality at this position in the gnomAD database. This variant has not been reported in the literature in individuals affected with CEBPA-related conditions. ClinVar contains an entry for this variant (Variation ID: 1039259). An algorithm developed to predict the effect of missense changes on protein structure and function (PolyPhen-2) suggests that this variant is likely to be tolerated. In summary, the available evidence is currently insufficient to determine the role of this variant in disease. Therefore, it has been classified as a Variant of Uncertain Significance.

NM_004364.5(CEBPA):c.68C>T (p.Pro23Leu)

Gene: CEBPA (CCAAT enhancer binding protein alpha; minus strand). Cytogenetic location: 19q13.11.
Variant type: single nucleotide variant.
Coding change: c.68C>T on transcript NM_004364.5 (MANE Select); coding-DNA position 68, C replaced by T.
Protein change: p.Pro23Leu; replaces proline 23 with leucine.
Molecular consequence: missense variant. On other transcripts: 5 prime UTR variant (1).
Genome position (GRCh38, 1-based): chr19:33,302,347, G>A on the plus strand (C>T on the coding strand, the complement: CEBPA is on the minus strand). VCF-style: chr19-33302347-G-A. GRCh37 (hg19) VCF-style: chr19-33793253-G-A.
Other names: c.-290C>T (NM_001285829.2); c.173C>T, p.Pro58Leu (NM_001287424.2); c.26C>T, p.Pro9Leu (NM_001287435.2); short protein forms P23L, P9L, P58L.
Identifiers: ClinVar variation 1039259 (VCV001039259.10), dbSNP rs1308550194, ClinGen allele CA405275743.
Genomic context (GRCh38, chr19:33,302,347, plus strand): 5'-GGAGGCTGCGCGGGGCCCGCGCCCCGGGGAAAGCCGAAGGCGGCGCTGCTGGGCGCGTGC[G>A]GGGGGCTCTGCAGGTGGCTGCTCATCGGGGGCCGCGGCTCCGCCTCGTAGAAGTCGGCCG-3'
Protein context (NP_004355.2, residues 13-33): PPMSSHLQSP[Pro23Leu]HAPSSAAFGF